The following is an entry in ClinVar:

ClinVar aggregate classification (germline): Uncertain significance. Review status: criteria provided, multiple submitters, no conflicts (2 of 4 stars). 2 submissions from 2 submitters: Uncertain significance (2). Last evaluated 2025-03-26.

Conditions:
Hereditary cancer-predisposing syndrome. Also called: Tumor predisposition; Hereditary neoplastic syndrome; Neoplastic Syndromes, Hereditary; Hereditary Cancer Syndrome. Identifiers: Orphanet 140162, MedGen C0027672, MeSH D009386, MONDO:0015356.

Allele frequency attached by ClinVar (database versions not stated): gnomAD 0.00001.
gnomAD v4.1: 1 of 1,614,036 alleles (0.000062%); highest among the groups gnomAD compares: Non-Finnish European, 0.000085%; no homozygotes.

Submissions (2):

Ambry Genetics
Classification: Uncertain significance for Hereditary cancer-predisposing syndrome. Last evaluated: 2025-03-26. Review status: criteria provided, single submitter. Criteria: Ambry Variant Classification Scheme 2023. Collection method: clinical testing. Allele origin: germline.
Comment: The p.D23Y variant (also known as c.67G>T), located in coding exon 2 of the POLE gene, results from a G to T substitution at nucleotide position 67. The aspartic acid at codon 23 is replaced by tyrosine, an amino acid with highly dissimilar properties. This amino acid position is conserved. In addition, the in silico prediction for this alteration is inconclusive. Based on the available evidence, the clinical significance of this variant remains unclear.

Labcorp Genetics (formerly Invitae), Labcorp
Classification: Uncertain significance. Last evaluated: 2021-02-15. Review status: criteria provided, single submitter. Criteria: Invitae Variant Classification Sherloc (09022015). Collection method: clinical testing. Allele origin: germline.
Comment: This sequence change replaces aspartic acid with tyrosine at codon 23 of the POLE protein (p.Asp23Tyr). The aspartic acid residue is weakly conserved and there is a large physicochemical difference between aspartic acid and tyrosine. This variant is not present in population databases (ExAC no frequency). In summary, the available evidence is currently insufficient to determine the role of this variant in disease. Therefore, it has been classified as a Variant of Uncertain Significance. Algorithms developed to predict the effect of missense changes on protein structure and function (SIFT, PolyPhen-2, Align-GVGD) all suggest that this variant is likely to be tolerated, but these predictions have not been confirmed by published functional studies and their clinical significance is uncertain. This variant has not been reported in the literature in individuals with POLE-related conditions.

NM_006231.4(POLE):c.67G>T (p.Asp23Tyr)

Gene: POLE (DNA polymerase epsilon, catalytic subunit; minus strand). Cytogenetic location: 12q24.33.
Variant type: single nucleotide variant.
Coding change: c.67G>T on transcript NM_006231.4 (MANE Select); coding-DNA position 67, G replaced by T.
Protein change: p.Asp23Tyr; replaces aspartic acid 23 with tyrosine.
Molecular consequence: missense variant.
Genome position (GRCh38, 1-based): chr12:132,681,275, C>A on the plus strand (G>T on the coding strand, the complement: POLE is on the minus strand). VCF-style: chr12-132681275-C-A. GRCh37 (hg19) VCF-style: chr12-133257861-C-A.
Other names: c.67G>T (NM_006231.2); short protein forms D23Y.
Identifiers: ClinVar variation 859356 (VCV000859356.12), dbSNP rs970095477, ClinGen allele CA387370708.